The following is an entry in ClinVar:

NM_198530.4(MXRA7):c.343-181C>T

Gene: MXRA7 (matrix remodeling associated 7; minus strand). Cytogenetic location: 17q25.1.
Variant type: single nucleotide variant.
Coding change: c.343-181C>T on transcript NM_198530.4 (MANE Select); 181 bases into the intron before coding-DNA position 343, C replaced by T.
Molecular consequence: intron variant. On other transcripts: synonymous variant (3).
Genome position (GRCh38, 1-based): chr17:76,688,357, G>A on the plus strand (C>T on the coding strand, the complement: MXRA7 is on the minus strand). VCF-style: chr17-76688357-G-A. GRCh37 (hg19) VCF-style: chr17-74684439-G-A.
Other names: c.291C>T, p.Gly97= (NM_001363769.2, NM_001387276.1, NM_001387277.1); c.343-181C>T (NM_001008528.3, NM_001008529.3); c.249+20C>T (NM_001387278.1).
Identifiers: ClinVar variation 2648318 (VCV002648318.24), dbSNP rs188871607, ClinGen allele CA8789507.

ClinVar aggregate classification (germline): Likely benign (1 of 4 stars; one submission).

Allele frequency attached by ClinVar (database versions not stated): 1000 Genomes Project 0.00080; 1000 Genomes Project 30x 0.00094; TOPMed 0.00151; gnomAD 0.00169; gnomAD exomes 0.00194; ExAC 0.00236.
gnomAD v4.1: 2,713 of 1,438,692 alleles (0.19%); highest among the groups gnomAD compares: Admixed American, 0.34%; 3 homozygotes.

Submission:

CeGaT Center for Human Genetics Tuebingen
Classification: Likely benign. Last evaluated: 2023-03-01. Review status: criteria provided, single submitter. Criteria: CeGaT Center For Human Genetics Tuebingen Variant Classification Criteria Version 2. Collection method: clinical testing. Allele origin: germline. Affected: yes. Observed: 1 variant allele.
Comment: MXRA7: BP4, BP7